The following is an entry in ClinVar:

NM_001366385.1(CARD14):c.535C>T (p.Arg179Cys)

Gene: CARD14 (caspase recruitment domain family member 14; plus strand). Cytogenetic location: 17q25.3.
Variant type: single nucleotide variant.
Coding change: c.535C>T on transcript NM_001366385.1 (MANE Select); coding-DNA position 535, C replaced by T.
Protein change: p.Arg179Cys; replaces arginine 179 with cysteine.
Molecular consequence: missense variant. On other transcripts: non-coding transcript variant (1).
Genome position (GRCh38, 1-based): chr17:80,184,098, C>T. VCF-style: chr17-80184098-C-T. GRCh37 (hg19) VCF-style: chr17-78157897-C-T.
Other names: c.535C>T, p.Arg179Cys (NM_001257970.1, NM_024110.4); short protein forms R179C.
Identifiers: ClinVar variation 843461 (VCV000843461.11), dbSNP rs753456472, ClinGen allele CA8816443.

ClinVar aggregate classification (germline): Uncertain significance. Review status: criteria provided, multiple submitters, no conflicts (2 of 4 stars). 2 submissions from 2 submitters: Uncertain significance (2). Last evaluated 2024-11-26.

Conditions:
Psoriasis 2. Identifiers: MedGen C1864497, MONDO:0011269, OMIM 602723.
Pityriasis rubra pilaris (PRP). Also called: Pityriasis rubra pilaris--familial type. Identifiers: Orphanet 2897, MedGen C0032027, MONDO:0100017, OMIM 173200, MONDO:0008251.

Allele frequency attached by ClinVar (database versions not stated): gnomAD 0.00001; gnomAD exomes 0.00002; ExAC 0.00006.

Submissions (2):

Blueprint Genetics
Classification: Uncertain significance. Last evaluated: 2024-11-26. Review status: criteria provided, single submitter. Criteria: ACMG Guidelines, 2015. Collection method: clinical testing. Allele origin: germline.

Labcorp Genetics (formerly Invitae), Labcorp
Classification: Uncertain significance for Pityriasis rubra pilaris; Psoriasis 2. Last evaluated: 2024-11-13. Review status: criteria provided, single submitter. Criteria: Invitae Variant Classification Sherloc (09022015). Collection method: clinical testing. Allele origin: germline.
Comment: This sequence change replaces arginine, which is basic and polar, with cysteine, which is neutral and slightly polar, at codon 179 of the CARD14 protein (p.Arg179Cys). The frequency data for this variant in the population databases is considered unreliable, as metrics indicate poor data quality at this position in the gnomAD database. This variant has not been reported in the literature in individuals affected with CARD14-related conditions. ClinVar contains an entry for this variant (Variation ID: 843461). Invitae Evidence Modeling of protein sequence and biophysical properties (such as structural, functional, and spatial information, amino acid conservation, physicochemical variation, residue mobility, and thermodynamic stability) indicates that this missense variant is not expected to disrupt CARD14 protein function with a negative predictive value of 95%. In summary, the available evidence is currently insufficient to determine the role of this variant in disease. Therefore, it has been classified as a Variant of Uncertain Significance.